The following is an entry in ClinVar:

ClinVar aggregate classification (germline): Pathogenic (1 of 4 stars; one submission).

Conditions:
Trimethylaminuria (TMAU). Also called: FISH-ODOR SYNDROME; Fish malodor syndrome; Stale fish syndrome; TMAuria; Primary Trimethylaminuria. Identifiers: MedGen C0342739, MONDO:0011182, OMIM 602079, HP:0003614. Disease mechanism: loss of function.

Submission:

Myriad Genetics, Inc.
Classification: Pathogenic for Trimethylaminuria. Last evaluated: 2026-05-13. Review status: criteria provided, single submitter. Criteria: Myriad Autosomal Dominant, Autosomal Recessive and X-Linked Classification Criteria (2023). Collection method: clinical testing. Allele origin: unknown.
Comment: NM_001002294.2(FMO3):c.565delG(V189Wfs*23) is expected to be pathogenic in the context of primary trimethylaminuria. This variant is predicted to lead to an abnormal or absent protein product due to the creation of a premature termination codon in FMO3, a gene where loss-of-function variants are known to be pathogenic. Please note: this variant was assessed in the context of healthy population screening.

NM_001002294.3(FMO3):c.565del (p.Val189fs)

Genes: FMO3 (flavin containing dimethylaniline monoxygenase 3; plus strand), LOC126805916 (BRD4-independent group 4 enhancer GRCh37_chr1:171076844-171078043; plus strand). Cytogenetic location: 1q24.3.
Variant type: Deletion.
Coding change: c.565del on transcript NM_001002294.3 (MANE Select); coding-DNA position 565, one base deleted (G; older notation c.565delG).
Protein change: p.Val189fs; shifts the reading frame from valine 189.
Molecular consequence: frameshift variant.
Genome position (GRCh38, 1-based): chr1:171,108,159, G deleted; the last of 2 consecutive G bases (chr1:171,108,158-171,108,159); deleting either gives the same sequence. VCF-style (leftmost placement, unchanged base first): chr1-171108157-TG-T. GRCh37 (hg19) VCF-style: chr1-171077298-TG-T.
Other names: c.505del, p.Val169fs (NM_001319173.2); c.376del, p.Val126fs (NM_001319174.2); c.565del, p.Val189fs (NM_006894.6); short protein forms V126fs, V169fs, V189fs.
Identifiers: ClinVar variation 5015905 (VCV005015905.1).